The following is an entry in ClinVar:

NM_173689.7(CRB2):c.631G>A (p.Ala211Thr)

Gene: CRB2 (crumbs cell polarity complex component 2; plus strand). Cytogenetic location: 9q33.3.
Variant type: single nucleotide variant.
Coding change: c.631G>A on transcript NM_173689.7 (MANE Select); coding-DNA position 631, G replaced by A.
Protein change: p.Ala211Thr; replaces alanine 211 with threonine.
Molecular consequence: missense variant.
Genome position (GRCh38, 1-based): chr9:123,366,243, G>A. VCF-style: chr9-123366243-G-A. GRCh37 (hg19) VCF-style: chr9-126128522-G-A.
Other names: short protein forms A211T.
Identifiers: ClinVar variation 1461535 (VCV001461535.8), dbSNP rs1189196003, ClinGen allele CA374857384.

ClinVar aggregate classification (germline): Uncertain significance (1 of 4 stars; one submission).

Allele frequency attached by ClinVar (database versions not stated): gnomAD exomes 0.00001; TOPMed 0.00001.
gnomAD v4.1: 16 of 1,477,930 alleles (0.0011%); highest among the groups gnomAD compares: South Asian, 0.0052%; no homozygotes.

Submission:

Labcorp Genetics (formerly Invitae), Labcorp
Classification: Uncertain significance. Last evaluated: 2024-08-12. Review status: criteria provided, single submitter. Criteria: Invitae Variant Classification Sherloc (09022015). Collection method: clinical testing. Allele origin: germline.
Comment: This sequence change replaces alanine, which is neutral and non-polar, with threonine, which is neutral and polar, at codon 211 of the CRB2 protein (p.Ala211Thr). The frequency data for this variant in the population databases is considered unreliable, as metrics indicate poor data quality at this position in the gnomAD database. This variant has not been reported in the literature in individuals affected with CRB2-related conditions. ClinVar contains an entry for this variant (Variation ID: 1461535). Advanced modeling of protein sequence and biophysical properties (such as structural, functional, and spatial information, amino acid conservation, physicochemical variation, residue mobility, and thermodynamic stability) performed at Invitae indicates that this missense variant is not expected to disrupt CRB2 protein function with a negative predictive value of 80%. In summary, the available evidence is currently insufficient to determine the role of this variant in disease. Therefore, it has been classified as a Variant of Uncertain Significance.